The following is an entry in ClinVar:

ClinVar aggregate classification (germline): Uncertain significance (1 of 4 stars; one submission).

Submission:

GeneDx
Classification: Uncertain significance. Last evaluated: 2018-06-15. Review status: criteria provided, single submitter. Criteria: GeneDx Variant Classification (06012015). Collection method: clinical testing. Allele origin: germline. Affected: yes.
Comment: The c.6214_6216delTCA variant of uncertain significance in the FBN1 gene has not been published as pathogenic or been reported as benign to our knowledge. The c.6214_6216delTCA variant has not been observed in large population cohorts (Lek et al., 2016). The c.6214_6216delTCA variant results in an in-frame deletion of a serine (S) residue at codon 2072, denoted p.S2072del, and does not result in a shift in reading frame or premature stop codon. However, in-silico analyses, including protein predictors and evolutionary conservation, support a deleterious effect. Additionally, other in-frame deletions in the FBN1 gene have been reported in the Human Gene Mutation Database in association with Marfan syndrome (Stenson et al., 2014). Nevertheless, in the absence of functional mRNA studies, the physiological consequence of this variant cannot be precisely determined.

NM_000138.5(FBN1):c.6211TCA[1] (p.Ser2072del)

Gene: FBN1 (fibrillin 1; minus strand). Cytogenetic location: 15q21.1.
Variant type: Microsatellite.
Coding change: c.6211TCA[1] on transcript NM_000138.5 (MANE Select); one copy of the 3-base unit TCA starting at c.6211; the reference has two copies in a row; one copy, 3 bases deleted.
Protein change: p.Ser2072del; deletes serine 2072.
Molecular consequence: inframe deletion.
Genome position (GRCh38, 1-based): chr15:48,437,865-48,437,867, TGA deleted on the plus strand (TCA on the coding strand, the reverse complement: FBN1 is on the minus strand); deleting any 3 consecutive bases within chr15:48,437,865-48,437,870 gives the same sequence; the position shown is the placement nearest the transcript's 3' end. VCF-style (leftmost placement, unchanged base first): chr15-48437864-GTGA-G. GRCh37 (hg19) VCF-style: chr15-48730061-GTGA-G.
Other names: c.6214_6216delTCA (NM_000138.4); short protein forms S2072del.
Identifiers: ClinVar variation 200168 (VCV000200168.2), dbSNP rs794728316, ClinGen allele CA016291.